The following is an entry in ClinVar:

NM_018076.5(ODAD2):c.2081C>T (p.Ala694Val)

Gene: ODAD2 (outer dynein arm docking complex subunit 2; minus strand). Cytogenetic location: 10p12.1.
Variant type: single nucleotide variant.
Coding change: c.2081C>T on transcript NM_018076.5 (MANE Select); coding-DNA position 2081, C replaced by T.
Protein change: p.Ala694Val; replaces alanine 694 with valine.
Molecular consequence: missense variant.
Genome position (GRCh38, 1-based): chr10:27,939,913, G>A on the plus strand (C>T on the coding strand, the complement: ODAD2 is on the minus strand). VCF-style: chr10-27939913-G-A. GRCh37 (hg19) VCF-style: chr10-28228842-G-A.
Other names: c.2081C>T, p.Ala694Val (NM_001290020.2); c.656C>T, p.Ala219Val (NM_001290021.2); c.1157C>T, p.Ala386Val (NM_001312689.2); short protein forms A219V, A694V, A386V.
Identifiers: ClinVar variation 5007706 (VCV005007706.2).

ClinVar aggregate classification (germline): Uncertain significance (1 of 4 stars; one submission).

Conditions:
Primary ciliary dyskinesia 23 (CILD23). Also called: CILIARY DYSKINESIA, PRIMARY, 23, WITH OR WITHOUT SITUS INVERSUS. Identifiers: Orphanet 244, MedGen C3809548, MONDO:0014193, OMIM 615451.

Submission:

Juno Genomics, Hangzhou Juno Genomics, Inc
Classification: Uncertain significance for Primary ciliary dyskinesia 23. Review status: criteria provided, single submitter. Criteria: ACMG Guidelines, 2015. Collection method: clinical testing. Allele origin: germline.
Comment: Absent from controls (or at extremely low frequency if recessive) in Genome Aggregation Database.